The following is an entry in ClinVar:

ClinVar aggregate classification (germline): Likely benign. Review status: criteria provided, single submitter (1 of 4 stars). 2 submissions from 2 submitters: Likely benign (1). 1 of the submissions does not count toward it. Last evaluated 2022-02-03.

Conditions:
LRRC45-related disorder. Also called: LRRC45-related condition.

Allele frequency attached by ClinVar (database versions not stated): TOPMed 0.00003; gnomAD 0.00005; ExAC 0.00008; gnomAD exomes 0.00011; ESP Exome Variant Server 0.00016.
gnomAD v4.1: 160 of 1,572,016 alleles (0.01%); highest among the groups gnomAD compares: Non-Finnish European, 0.013%; no homozygotes.

Submissions (2):

Ambry Genetics
Classification: Likely benign. Last evaluated: 2022-02-03. Review status: criteria provided, single submitter. Criteria: Ambry Variant Classification Scheme 2023. Collection method: clinical testing. Allele origin: germline.

PreventionGenetics, part of Exact Sciences
Classification: Uncertain significance for LRRC45-related condition. Last evaluated: 2024-09-04. Review status: no assertion criteria provided. Collection method: clinical testing. Allele origin: germline. Not counted in ClinVar's aggregate classification.
Comment: The LRRC45 c.1481C>T variant is predicted to result in the amino acid substitution p.Ala494Val. To our knowledge, this variant has not been reported in the literature. This variant is reported in 0.0067% of alleles in individuals of European (Non-Finnish) descent in gnomAD. At this time, the clinical significance of this variant is uncertain due to the absence of conclusive functional and genetic evidence.

NM_144999.4(LRRC45):c.1481C>T (p.Ala494Val)

Gene: LRRC45 (leucine rich repeat containing 45; plus strand). Cytogenetic location: 17q25.3.
Variant type: single nucleotide variant.
Coding change: c.1481C>T on transcript NM_144999.4 (MANE Select); coding-DNA position 1481, C replaced by T.
Protein change: p.Ala494Val; replaces alanine 494 with valine.
Molecular consequence: missense variant.
Genome position (GRCh38, 1-based): chr17:82,029,622, C>T. VCF-style: chr17-82029622-C-T. GRCh37 (hg19) VCF-style: chr17-79987498-C-T.
Other names: c.1481C>T (NM_144999.3); short protein forms A494V.
Identifiers: ClinVar variation 2275776 (VCV002275776.3), dbSNP rs144900467, ClinGen allele CA8848108.
Genomic context (GRCh38, chr17:82,029,622, plus strand): 5'-CAGCGGCACTCAGCGAGCGTGGCCAGGCTGAGGAGGAGCTGATCAAGGCCAAGAGCCAGG[C>T]CCGCCTGGAGGAGGTGAGCCACACATGTCCGCCACCCTCCGGGGGAGCCAGGCTGCCCGG-3'
Protein context (NP_659436.1, residues 484-504): EEELIKAKSQ[Ala494Val]RLEEQQRLAH